The following is an entry in ClinVar:

ClinVar aggregate classification (germline): Uncertain significance (1 of 4 stars; one submission).

Conditions:
Neuropathy, hereditary sensory, type 1F. Also called: HSN IF; Hereditary sensory neuropathy type IF. Identifiers: Orphanet 36386, MedGen C3810194, MONDO:0014286, OMIM 615632.

Allele frequency attached by ClinVar (database versions not stated): TOPMed below 0.00001; ExAC 0.00001; gnomAD 0.00001.
gnomAD v4.1: 6 of 1,614,156 alleles (0.00037%); highest among the groups gnomAD compares: Middle Eastern, 0.082%; no homozygotes.

Submission:

Labcorp Genetics (formerly Invitae), Labcorp
Classification: Uncertain significance for Neuropathy, hereditary sensory, type 1F. Last evaluated: 2022-08-09. Review status: criteria provided, single submitter. Criteria: Invitae Variant Classification Sherloc (09022015). Collection method: clinical testing. Allele origin: germline.
Comment: In summary, the available evidence is currently insufficient to determine the role of this variant in disease. Therefore, it has been classified as a Variant of Uncertain Significance. Algorithms developed to predict the effect of missense changes on protein structure and function are either unavailable or do not agree on the potential impact of this missense change (SIFT: "Tolerated"; PolyPhen-2: "Probably Damaging"; Align-GVGD: "Class C0"). ClinVar contains an entry for this variant (Variation ID: 1427577). This variant has not been reported in the literature in individuals affected with ATL3-related conditions. This variant is present in population databases (rs772075062, gnomAD 0.003%). This sequence change replaces aspartic acid, which is acidic and polar, with glutamic acid, which is acidic and polar, at codon 361 of the ATL3 protein (p.Asp361Glu).

NM_015459.5(ATL3):c.1083C>G (p.Asp361Glu)

Genes: LNCROPM (lncRNA regulator of PLAAT3 mediated phospholipid metabolism; plus strand), ATL3 (atlastin GTPase 3; minus strand). Cytogenetic location: 11q13.1.
Variant type: single nucleotide variant.
Coding change: c.1083C>G on transcript NM_015459.5 (MANE Select); coding-DNA position 1083, C replaced by G.
Protein change: p.Asp361Glu; replaces aspartic acid 361 with glutamic acid.
Molecular consequence: missense variant.
Genome position (GRCh38, 1-based): chr11:63,633,050, G>C on the plus strand (C>G on the coding strand, the complement: ATL3 is on the minus strand). VCF-style: chr11-63633050-G-C. GRCh37 (hg19) VCF-style: chr11-63400522-G-C.
Other names: c.1029C>G, p.Asp343Glu (NM_001290048.2); short protein forms D361E, D343E.
Identifiers: ClinVar variation 1427577 (VCV001427577.6), dbSNP rs772075062, ClinGen allele CA6063595.